The following is an entry in ClinVar:

NM_002025.4(AFF2):c.2549A>G (p.Lys850Arg)

Gene: AFF2 (ALF transcription elongation factor 2; plus strand). Cytogenetic location: Xq28.
Variant type: single nucleotide variant.
Coding change: c.2549A>G on transcript NM_002025.4 (MANE Select); coding-DNA position 2549, A replaced by G.
Protein change: p.Lys850Arg; replaces lysine 850 with arginine.
Molecular consequence: missense variant.
Genome position (GRCh38, 1-based): chrX:148,956,594, A>G. VCF-style: chrX-148956594-A-G. GRCh37 (hg19) VCF-style: chrX-148038124-A-G.
Other names: c.2450A>G, p.Lys817Arg (NM_001169122.2); c.2519A>G, p.Lys840Arg (NM_001169123.2); c.2444A>G, p.Lys815Arg (NM_001169124.2); c.2432A>G, p.Lys811Arg (NM_001169125.2); c.1472A>G, p.Lys491Arg (NM_001170628.1); short protein forms K491R, K811R, K815R, K817R, K840R, K850R.
Identifiers: ClinVar variation 3339374 (VCV003339374.1).

ClinVar aggregate classification (germline): Uncertain significance (1 of 4 stars; one submission).

gnomAD v4.1: 1 of 1,210,044 alleles (0.000083%); highest among the groups gnomAD compares: Admixed American, 0.0022%; no homozygotes.

Submission:

Women's Health and Genetics/Laboratory Corporation of America, LabCorp
Classification: Uncertain significance. Last evaluated: 2024-07-23. Review status: criteria provided, single submitter. Criteria: LabCorp Variant Classification Summary - May 2015. Collection method: clinical testing. Allele origin: germline.
Comment: Variant summary: AFF2 c.2549A>G (p.Lys850Arg) results in a conservative amino acid change in the encoded protein sequence. Three of five in-silico tools predict a damaging effect of the variant on protein function. The variant allele was found at a frequency of 5.6e-06 in 179711 control chromosomes, including 1 hemizygote. The available data on variant occurrences in the general population are insufficient to allow any conclusion about variant significance. To our knowledge, no occurrence of c.2549A>G in individuals affected with Fragile XE Syndrome and no experimental evidence demonstrating its impact on protein function have been reported. No submitters have cited clinical-significance assessments for this variant to ClinVar. Based on the evidence outlined above, the variant was classified as uncertain significance.